The following is an entry in ClinVar:

NM_001103.4(ACTN2):c.1232C>A (p.Ser411Ter)

Gene: ACTN2 (actinin alpha 2; plus strand). Cytogenetic location: 1q43.
Variant type: single nucleotide variant.
Coding change: c.1232C>A on transcript NM_001103.4 (MANE Select); coding-DNA position 1232, C replaced by A.
Protein change: p.Ser411Ter; replaces serine 411 with a stop codon.
Molecular consequence: nonsense.
Genome position (GRCh38, 1-based): chr1:236,743,020, C>A. VCF-style: chr1-236743020-C-A. GRCh37 (hg19) VCF-style: chr1-236906320-C-A.
Other names: c.1232C>A, p.Ser411Ter (NM_001278343.2); c.608C>A, p.Ser203Ter (NM_001278344.2); short protein forms S203*, S411*.
Identifiers: ClinVar variation 1062780 (VCV001062780.7), dbSNP rs748441967, ClinGen allele CA345382468.

ClinVar aggregate classification (germline): Uncertain significance (1 of 4 stars; one submission).

Conditions:
Dilated cardiomyopathy 1AA (CMD1AA). Also called: Cardiomyopathy, dilated, 1AA, with or without LVNC; CARDIOMYOPATHY, FAMILIAL HYPERTROPHIC, 23, WITH OR WITHOUT LEFT VENTRICULAR NONCOMPACTION; CARDIOMYOPATHY, DILATED, 1AA, WITH OR WITHOUT LEFT VENTRICULAR NONCOMPACTION. Identifiers: Orphanet 154, MedGen C2677338, MONDO:0012808, OMIM 612158.
Primary familial hypertrophic cardiomyopathy (HCM). Identifiers: Orphanet 99739, MedGen C0949658, MeSH D024741, MONDO:0024573. Inheritance: Various modes of inheritance.

Submission:

Labcorp Genetics (formerly Invitae), Labcorp
Classification: Uncertain significance for Primary familial hypertrophic cardiomyopathy; Dilated cardiomyopathy 1AA. Last evaluated: 2020-09-11. Review status: criteria provided, single submitter. Criteria: Invitae Variant Classification Sherloc (09022015). Collection method: clinical testing. Allele origin: germline.
Comment: In summary, the available evidence is currently insufficient to determine the role of this variant in disease. Therefore, it has been classified as a Variant of Uncertain Significance. The current clinical and genetic evidence is not sufficient to establish whether loss-of-function variants in ACTN2 cause disease. This variant has not been reported in the literature in individuals with ACTN2-related conditions. This variant is not present in population databases (ExAC no frequency). This sequence change creates a premature translational stop signal (p.Ser411*) in the ACTN2 gene. It is expected to result in an absent or disrupted protein product.